The following is an entry in ClinVar:

ClinVar aggregate classification (germline): Uncertain significance. Review status: criteria provided, multiple submitters, no conflicts (2 of 4 stars). 4 submissions from 4 submitters: Uncertain significance (4). Last evaluated 2026-02-20.

Conditions:
Fanconi anemia complementation group O. Also called: RAD51C-Related Fanconi Anemia. Identifiers: Orphanet 84, MedGen C3150653, MONDO:0013248, OMIM 613390.
Hereditary cancer-predisposing syndrome. Also called: Hereditary Cancer Syndrome; Neoplastic Syndromes, Hereditary; Tumor predisposition; Hereditary neoplastic syndrome. Identifiers: Orphanet 140162, MedGen C0027672, MeSH D009386, MONDO:0015356.
Breast-ovarian cancer, familial, susceptibility to, 3. Also called: RAD51C-Related Breast/Ovarian Cancer. Identifiers: Orphanet 145, MedGen C3150659, MONDO:0013253, OMIM 613399.

Submissions (4):

St. Jude Molecular Pathology, St. Jude Children's Research Hospital
Classification: Uncertain significance for Breast-ovarian cancer, familial, susceptibility to, 3. Last evaluated: 2026-02-20. Review status: criteria provided, single submitter. Criteria: St. Jude Assertion Criteria 2020. Collection method: clinical testing. Allele origin: germline.
Comment: The RAD51C c.1000G>A p.(Glu334Lys) missense change is absent in gnomAD v2.1.1. The in silico tool REVEL predicts a benign effect on protein function, but to our k nowledge this prediction has not been confirmed by functional studies. To our knowledge, this variant has not been reported in individuals with RAD51C- associated conditions. In summary, the evidence currently available is insufficient to determine the c linical significance of this variant. It has therefore been classified as of uncertain significance.

Labcorp Genetics (formerly Invitae), Labcorp
Classification: Uncertain significance for Fanconi anemia complementation group O. Last evaluated: 2025-07-08. Review status: criteria provided, single submitter. Criteria: Invitae Variant Classification Sherloc (09022015). Collection method: clinical testing. Allele origin: germline.
Comment: This sequence change replaces glutamic acid, which is acidic and polar, with lysine, which is basic and polar, at codon 334 of the RAD51C protein (p.Glu334Lys). This variant is not present in population databases (gnomAD no frequency). This variant has not been reported in the literature in individuals affected with RAD51C-related conditions. ClinVar contains an entry for this variant (Variation ID: 633385). Invitae Evidence Modeling of protein sequence and biophysical properties (such as structural, functional, and spatial information, amino acid conservation, physicochemical variation, residue mobility, and thermodynamic stability) indicates that this missense variant is not expected to disrupt RAD51C protein function with a negative predictive value of 80%. In summary, the available evidence is currently insufficient to determine the role of this variant in disease. Therefore, it has been classified as a Variant of Uncertain Significance.

Ambry Genetics
Classification: Uncertain significance for Hereditary cancer-predisposing syndrome. Last evaluated: 2023-02-18. Review status: criteria provided, single submitter. Criteria: Ambry Variant Classification Scheme 2023. Collection method: clinical testing. Allele origin: germline.
Comment: The p.E334K variant (also known as c.1000G>A), located in coding exon 8 of the RAD51C gene, results from a G to A substitution at nucleotide position 1000. The glutamic acid at codon 334 is replaced by lysine, an amino acid with similar properties. This amino acid position is highly conserved in available vertebrate species. In addition, this alteration is predicted to be tolerated by in silico analysis. Since supporting evidence is limited at this time, the clinical significance of this alteration remains unclear.

Women's Health and Genetics/Laboratory Corporation of America, LabCorp
Classification: Uncertain significance. Last evaluated: 2018-01-22. Review status: criteria provided, single submitter. Criteria: LabCorp Variant Classification Summary - May 2015. Collection method: clinical testing. Allele origin: germline.
Comment: Variant summary: The RAD51C c.1000G>A (p.Glu334Lys) variant involves the alteration of a conserved nucleotide in the DNA recombination and repair protein Rad51-like, C-terminal domain of the protein (InterPro). 3/4 in silico tools predict a benign outcome for this variant (SNPsandGO not captured due to low reliability index). This variant is absent in 246178 control chromosomes. The variant of interest has not, to our knowledge, been reported in affected individuals via publications and/or reputable databases/clinical diagnostic laboratories; nor evaluated for functional impact by in vivo/vitro studies. Because of the absence of clinical information and the lack of functional studies, the variant is classified as a variant of uncertain significance (VUS) until additional information becomes available.

NM_058216.3(RAD51C):c.1000G>A (p.Glu334Lys)

Gene: RAD51C (RAD51 paralog C; plus strand). Cytogenetic location: 17q22.
Variant type: single nucleotide variant.
Coding change: c.1000G>A on transcript NM_058216.3 (MANE Select); coding-DNA position 1000, G replaced by A.
Protein change: p.Glu334Lys; replaces glutamic acid 334 with lysine.
Molecular consequence: missense variant. On other transcripts: non-coding transcript variant (1).
Genome position (GRCh38, 1-based): chr17:58,732,518, G>A. VCF-style: chr17-58732518-G-A. GRCh37 (hg19) VCF-style: chr17-56809879-G-A.
Other names: short protein forms E334K.
Identifiers: ClinVar variation 633385 (VCV000633385.6), dbSNP rs1567817431, ClinGen allele CA400365029.